The following is an entry in ClinVar:

NM_003482.4(KMT2D):c.2146A>G (p.Met716Val)

Gene: KMT2D (lysine methyltransferase 2D; minus strand). Cytogenetic location: 12q13.12.
Variant type: single nucleotide variant.
Coding change: c.2146A>G on transcript NM_003482.4 (MANE Select); coding-DNA position 2146, A replaced by G.
Protein change: p.Met716Val; replaces methionine 716 with valine.
Molecular consequence: missense variant.
Genome position (GRCh38, 1-based): chr12:49,051,537, T>C on the plus strand (A>G on the coding strand, the complement: KMT2D is on the minus strand). VCF-style: chr12-49051537-T-C. GRCh37 (hg19) VCF-style: chr12-49445320-T-C.
Other names: short protein forms M716V.
Identifiers: ClinVar variation 4983028 (VCV004983028.1).

ClinVar aggregate classification (germline): Uncertain significance (1 of 4 stars; one submission).

Conditions:
KMT2D-related disorder. Also called: KMT2D-Related Disorders.

gnomAD v4.1: 5 of 1,612,128 alleles (0.00031%); highest among the groups gnomAD compares: South Asian, 0.0055%; no homozygotes.

Submission:

PreventionGenetics, part of Exact Sciences
Classification: Uncertain significance for KMT2D-related condition. Last evaluated: 2024-12-26. Review status: criteria provided, single submitter. Criteria: ACMG Guidelines, 2015. Collection method: clinical testing. Allele origin: germline.
Comment: The KMT2D c.2146A>G variant is predicted to result in the amino acid substitution p.Met716Val. To our knowledge, this variant has not been reported in the literature. This variant is reported in 0.0066% of alleles in individuals of South Asian descent in gnomAD. At this time, the clinical significance of this variant is uncertain due to the absence of conclusive functional and genetic evidence.